The following is an entry in ClinVar:

NM_000138.5(FBN1):c.*967C>T

Gene: FBN1 (fibrillin 1; minus strand). Cytogenetic location: 15q21.1.
Variant type: single nucleotide variant.
Coding change: c.*967C>T on transcript NM_000138.5 (MANE Select); 967 bases downstream of the stop codon, C replaced by T.
Molecular consequence: 3 prime UTR variant.
Genome position (GRCh38, 1-based): chr15:48,410,023, G>A on the plus strand (C>T on the coding strand, the complement: FBN1 is on the minus strand). VCF-style: chr15-48410023-G-A. GRCh37 (hg19) VCF-style: chr15-48702220-G-A.
Identifiers: ClinVar variation 316345 (VCV000316345.5), dbSNP rs56024388, ClinGen allele CA10647082.

ClinVar aggregate classification (germline): Conflicting classifications of pathogenicity. Review status: criteria provided, conflicting classifications (1 of 4 stars). 7 submissions from 1 submitter: Uncertain significance (1); Benign (5); Likely benign (1). Last evaluated 2018-01-13.

Conditions:
Stiff skin syndrome (SSKS). Identifiers: Orphanet 2833, MedGen C1861456, MONDO:0008492, OMIM 184900.
Geleophysic dysplasia. Identifiers: Orphanet 2623, MedGen C3489726, MONDO:0000127.
Weill-Marchesani syndrome. Also called: WM Syndrome; Mesodermal dysmorphodystrophy congenital. Identifiers: Orphanet 3449, MedGen C0265313, MONDO:0018096.
Acromicric dysplasia (ACMICD). Also called: Acromicric skeletal dysplasia. Identifiers: Orphanet 969, MedGen C0265287, MONDO:0007055, OMIM 102370.
Ectopia lentis 1, isolated, autosomal dominant (ECTOL1). Identifiers: Orphanet 1885, MedGen C3541518, MONDO:0007514, OMIM 129600.
Marfan syndrome (MFS). Also called: Marfan syndrome type 1; Marfan's syndrome; MARFAN SYNDROME, TYPE I; Marfan syndrome, classic; FBN1-Related Marfan Syndrome. Identifiers: Orphanet 284963, Orphanet 558, MedGen C0024796, MONDO:0007947, OMIM 154700.
Familial thoracic aortic aneurysm and aortic dissection (TAAD). Also called: Thoracic aortic aneurysms and dissections. Identifiers: Orphanet 91387, MedGen C4707243, MONDO:0019625.

Allele frequency attached by ClinVar (database versions not stated): TOPMed 0.00010; 1000 Genomes Project 0.00120; 1000 Genomes Project 30x 0.00109.

Submissions (7):

Illumina Laboratory Services, Illumina
Classification: Benign for Acromicric dysplasia. Last evaluated: 2018-01-13. Review status: criteria provided, single submitter. Criteria: ICSL Variant Classification Criteria 13 December 2019. Collection method: clinical testing. Allele origin: germline.
Comment: This variant was observed in the ICSL laboratory as part of a predisposition screen in an ostensibly healthy population. It had not been previously curated by ICSL or reported in the Human Gene Mutation Database (HGMD: prior to June 1st, 2018), and was therefore a candidate for classification through an automated scoring system. Utilizing variant allele frequency, disease prevalence and penetrance estimates, and inheritance mode, an automated score was calculated to assess if this variant is too frequent to cause the disease. Based on the score and internal cut-off values, a variant classified as benign is not then subjected to further curation. The score for this variant resulted in a classification of benign for this disease.

Illumina Laboratory Services, Illumina
Classification: Benign for Ectopia lentis 1, isolated, autosomal dominant. Last evaluated: 2018-01-13. Review status: criteria provided, single submitter. Criteria: ICSL Variant Classification Criteria 13 December 2019. Collection method: clinical testing. Allele origin: germline.
Comment: the same text as in the submission from Illumina Laboratory Services, Illumina above.

Illumina Laboratory Services, Illumina
Classification: Uncertain significance for Familial thoracic aortic aneurysm and aortic dissection. Last evaluated: 2018-01-13. Review status: criteria provided, single submitter. Criteria: ICSL Variant Classification Criteria 13 December 2019. Collection method: clinical testing. Allele origin: germline.

Illumina Laboratory Services, Illumina
Classification: Benign for Geleophysic dysplasia. Last evaluated: 2018-01-13. Review status: criteria provided, single submitter. Criteria: ICSL Variant Classification Criteria 13 December 2019. Collection method: clinical testing. Allele origin: germline.
Comment: the same text as in the submission from Illumina Laboratory Services, Illumina above.

Illumina Laboratory Services, Illumina
Classification: Likely benign for Marfan syndrome. Last evaluated: 2018-01-13. Review status: criteria provided, single submitter. Criteria: ICSL Variant Classification Criteria 13 December 2019. Collection method: clinical testing. Allele origin: germline.
Comment: This variant was observed in the ICSL laboratory as part of a predisposition screen in an ostensibly healthy population. It had not been previously curated by ICSL or reported in the Human Gene Mutation Database (HGMD: prior to June 1st, 2018), and was therefore a candidate for classification through an automated scoring system. Utilizing variant allele frequency, disease prevalence and penetrance estimates, and inheritance mode, an automated score was calculated to assess if this variant is too frequent to cause the disease. Based on the score and internal cut-off values, a variant classified as likely benign is not then subjected to further curation. The score for this variant resulted in a classification of likely benign for this disease.

Illumina Laboratory Services, Illumina
Classification: Benign for Stiff skin syndrome. Last evaluated: 2018-01-13. Review status: criteria provided, single submitter. Criteria: ICSL Variant Classification Criteria 13 December 2019. Collection method: clinical testing. Allele origin: germline.
Comment: the same text as in the submission from Illumina Laboratory Services, Illumina above.

Illumina Laboratory Services, Illumina
Classification: Benign for Weill-Marchesani syndrome. Last evaluated: 2018-01-13. Review status: criteria provided, single submitter. Criteria: ICSL Variant Classification Criteria 13 December 2019. Collection method: clinical testing. Allele origin: germline.
Comment: the same text as in the submission from Illumina Laboratory Services, Illumina above.